The following is an entry in ClinVar:

ClinVar aggregate classification (germline): Pathogenic/Likely pathogenic. Review status: criteria provided, multiple submitters, no conflicts (2 of 4 stars). 5 submissions from 5 submitters: Pathogenic (3); Likely pathogenic (2). Last evaluated 2025-12-08.

Conditions:
Hereditary cancer-predisposing syndrome. Also called: Neoplastic Syndromes, Hereditary; Hereditary Cancer Syndrome; Hereditary neoplastic syndrome; Tumor predisposition. Identifiers: Orphanet 140162, MedGen C0027672, MeSH D009386, MONDO:0015356.
Hereditary leiomyomatosis and renal cell cancer. Also called: LEIOMYOMA, MULTIPLE CUTANEOUS; MULTIPLE CUTANEOUS AND UTERINE LEIOMYOMATA 1, WITH OR WITHOUT RENAL CELL CARCINOMA; Reed syndrome; Multiple cutaneous and uterine leiomyomatosis; Cutaneous leiomyomata with uterine leiomyomata; Leiomyoma, hereditary multiple, of skin. Identifiers: Orphanet 523, MedGen C1708350, MONDO:0007888, OMIM 150800, HP:0007437. Disease mechanism: loss of function.

Allele frequency attached by ClinVar (database versions not stated): gnomAD exomes below 0.00001; ExAC 0.00001.

Submissions (5):

GeneDx
Classification: Likely pathogenic. Last evaluated: 2025-12-08. Review status: criteria provided, single submitter. Criteria: GeneDx Variant Classification Process June 2021. Collection method: clinical testing. Allele origin: germline. Affected: yes.
Comment: Canonical splice site variant demonstrated to result in aberrant splicing leading to a deletion of the adjacent in-frame exon 5 (PMID: 32471518); Not observed at significant frequency in large population cohorts (gnomAD); This variant is associated with the following publications: (PMID: 29978187, 31444830, 29625052, 32471518, 36451132, 34654685, 38496821)

Ambry Genetics
Classification: Pathogenic for Hereditary cancer-predisposing syndrome. Last evaluated: 2025-10-27. Review status: criteria provided, single submitter. Criteria: Ambry Variant Classification Scheme 2023. Collection method: clinical testing. Allele origin: germline.
Comment: The c.556-2A>T intronic pathogenic mutation results from an A to T substitution two nucleotides upstream from coding exon 5 in the FH gene. Alterations that disrupt the canonical splice site are expected to result in aberrant splicing. In silico splice site analysis predicts that this alteration will weaken the native splice acceptor site. The resulting transcript is predicted to be in-frame and is not expected to trigger nonsense-mediated mRNAdecay; however, direct evidence is unavailable. The exact functional effect of the missing amino acids is unknown; however, the impacted region is critical for protein function and a significant portion of the protein is predicted to be impacted (Ambry internal data). This variant was reported in individuals with features consistent with Hereditary leiomyomatosis and renal cell cancer (Huang KL et al. Cell. 2018 04;173:355-370.e14; Carlo MI et al. JAMA Oncol. 2018 09;4:1228-1235; Truong H et al. Eur Urol Oncol. 2021 Dec;4(6):993-1000; Yang Y et al. BMC Urol. 2022 Nov;22(1):196; Ambry internal data). This nucleotide position is highly conserved in available vertebrate species. Based on the supporting evidence, this variant is interpreted as a disease-causing mutation.

Labcorp Genetics (formerly Invitae), Labcorp
Classification: Pathogenic. Last evaluated: 2025-05-14. Review status: criteria provided, single submitter. Criteria: Invitae Variant Classification Sherloc (09022015). Collection method: clinical testing. Allele origin: germline.
Comment: This sequence change affects an acceptor splice site in intron 4 of the FH gene. RNA analysis indicates that disruption of this splice site induces altered splicing and likely results in a shortened protein product. This variant is present in population databases (rs750273092, gnomAD 0.007%). Disruption of this splice site has been observed in individual(s) with renal cell carcinoma (PMID: 29625052, 29978187, 36451132). This variant is also known as g.241672087T>A. ClinVar contains an entry for this variant (Variation ID: 393566). Studies have shown that disruption of this splice site results in skipping of exon 5, but is expected to preserve the integrity of the reading-frame (internal data). This variant disrupts a region of the FH protein in which other variant(s) (p.Ser187Leu) have been determined to be pathogenic (PMID: 12772087; internal data). This suggests that this is a clinically significant region of the protein, and that variants that disrupt it are likely to be disease-causing. For these reasons, this variant has been classified as Pathogenic.

Myriad Genetics, Inc.
Classification: Likely pathogenic for Hereditary leiomyomatosis and renal cell cancer. Last evaluated: 2023-07-05. Review status: criteria provided, single submitter. Criteria: Myriad Autosomal Dominant, Autosomal Recessive and X-Linked Classification Criteria (2023). Collection method: clinical testing. Allele origin: unknown.
Comment: This variant is considered likely pathogenic. This variant occurs within a consensus splice junction and is predicted to result in abnormal mRNA splicing of either an out-of-frame exon or an in-frame exon necessary for protein stability and/or normal function.

Genomic Diagnostic Laboratory, Division of Genomic Diagnostics, Children's Hospital of Philadelphia
Classification: Pathogenic for Hereditary leiomyomatosis and renal cell cancer. Last evaluated: 2017-01-17. Review status: criteria provided, single submitter. Criteria: DGD Variant Analysis Guidelines. Collection method: clinical testing. Allele origin: germline. Affected: yes. Observed: 1 variant allele.
Comment: Clinical Testing

Literature cited by the submitters: PubMed 29625052 (cited by Ambry Genetics and Labcorp Genetics (formerly Invitae), Labcorp); PubMed 29978187 (cited by Ambry Genetics and Labcorp Genetics (formerly Invitae), Labcorp); PubMed 34654685 (cited by Ambry Genetics); PubMed 36451132 (cited by Ambry Genetics and Labcorp Genetics (formerly Invitae), Labcorp); PubMed 12772087 (cited by Labcorp Genetics (formerly Invitae), Labcorp).

NM_000143.4(FH):c.556-2A>T

Gene: FH (fumarate hydratase; minus strand). Cytogenetic location: 1q43.
Variant type: single nucleotide variant.
Coding change: c.556-2A>T on transcript NM_000143.4 (MANE Select); the canonical splice acceptor site of the intron before coding-DNA position 556, A replaced by T.
Molecular consequence: splice acceptor variant.
Genome position (GRCh38, 1-based): chr1:241,508,787, T>A on the plus strand (A>T on the coding strand, the complement: FH is on the minus strand). VCF-style: chr1-241508787-T-A. GRCh37 (hg19) VCF-style: chr1-241672087-T-A.
Identifiers: ClinVar variation 393566 (VCV000393566.19), dbSNP rs750273092, ClinGen allele CA1478651.